The following is an entry in ClinVar:

ClinVar aggregate classification (germline): Uncertain significance. Review status: criteria provided, multiple submitters, no conflicts (2 of 4 stars). 2 submissions from 2 submitters: Uncertain significance (2). Last evaluated 2025-08-20.

Allele frequency attached by ClinVar (database versions not stated): ExAC 0.00002; gnomAD 0.00002; gnomAD exomes 0.00002; TOPMed 0.00002; ESP Exome Variant Server 0.00015.
gnomAD v4.1: 30 of 1,613,850 alleles (0.0019%); highest among the groups gnomAD compares: Non-Finnish European, 0.0024%; no homozygotes.

Submissions (2):

Ambry Genetics
Classification: Uncertain significance. Last evaluated: 2025-08-20. Review status: criteria provided, single submitter. Criteria: Ambry Variant Classification Scheme 2023. Collection method: clinical testing. Allele origin: germline.

Labcorp Genetics (formerly Invitae), Labcorp
Classification: Uncertain significance. Last evaluated: 2022-06-27. Review status: criteria provided, single submitter. Criteria: Invitae Variant Classification Sherloc (09022015). Collection method: clinical testing. Allele origin: germline.
Comment: This sequence change replaces proline, which is neutral and non-polar, with histidine, which is basic and polar, at codon 156 of the ZNF341 protein (p.Pro156His). This variant is present in population databases (rs371747028, gnomAD 0.007%). This variant has not been reported in the literature in individuals affected with ZNF341-related conditions. Algorithms developed to predict the effect of missense changes on protein structure and function are either unavailable or do not agree on the potential impact of this missense change (SIFT: "Deleterious"; PolyPhen-2: "Possibly Damaging"; Align-GVGD: "Class C0"). In summary, the available evidence is currently insufficient to determine the role of this variant in disease. Therefore, it has been classified as a Variant of Uncertain Significance.

NM_001282933.2(ZNF341):c.467C>A (p.Pro156His)

Gene: ZNF341 (zinc finger protein 341; plus strand). Cytogenetic location: 20q11.22.
Variant type: single nucleotide variant.
Coding change: c.467C>A on transcript NM_001282933.2 (MANE Select); coding-DNA position 467, C replaced by A.
Protein change: p.Pro156His; replaces proline 156 with histidine.
Molecular consequence: missense variant. On other transcripts: non-coding transcript variant (1).
Genome position (GRCh38, 1-based): chr20:33,749,050, C>A. VCF-style: chr20-33749050-C-A. GRCh37 (hg19) VCF-style: chr20-32336856-C-A.
Other names: c.467C>A (NM_032819.3); c.197C>A, p.Pro66His (NM_001282935.2); c.467C>A, p.Pro156His (NM_032819.5); short protein forms P66H, P156H.
Identifiers: ClinVar variation 1447694 (VCV001447694.5), dbSNP rs371747028, ClinGen allele CA9819171.
Genomic context (GRCh38, chr20:33,749,050, plus strand): 5'-TGAGCGATGATGTGCTCATGTCTGCCATGTCAGCCTTCACATCCCTGGACCAGCCCATGC[C>A]CCAGGGCCCCCCACCTGTGCAGGTAAGAAGGTGTGGGCTTCTCACAGGGTCTTGATTCCA-3'
Protein context (NP_001269862.1, residues 146-166): SAFTSLDQPM[Pro156His]QGPPPVQSSL